The following is an entry in ClinVar:

ClinVar aggregate classification (germline): Likely pathogenic (1 of 4 stars; one submission).

gnomAD v4.1: 1 of 1,614,186 alleles (0.000062%); highest among the groups gnomAD compares: Non-Finnish European, 0.000085%; no homozygotes.

Submission:

GeneDx
Classification: Likely pathogenic. Last evaluated: 2026-07-10. Review status: criteria provided, single submitter. Criteria: GeneDx Variant Classification Process June 2021. Collection method: clinical testing. Allele origin: germline.
Comment: Not observed at significant frequency in large population cohorts (gnomAD); In silico analysis supports that this missense variant has a deleterious effect on protein structure/function; Has not been previously published as pathogenic or benign to our knowledge

NM_003660.4(PPFIA3):c.2945G>A (p.Arg982Gln)

Gene: PPFIA3 (PPFI scaffold protein A3; plus strand). Cytogenetic location: 19q13.33.
Variant type: single nucleotide variant.
Coding change: c.2945G>A on transcript NM_003660.4 (MANE Select); coding-DNA position 2945, G replaced by A.
Protein change: p.Arg982Gln; replaces arginine 982 with glutamine.
Molecular consequence: missense variant. On other transcripts: non-coding transcript variant (1).
Genome position (GRCh38, 1-based): chr19:49,148,192, G>A. VCF-style: chr19-49148192-G-A. GRCh37 (hg19) VCF-style: chr19-49651449-G-A.
Other names: short protein forms R982Q.
Identifiers: ClinVar variation 4281986 (VCV004281986.2).